The following is an entry in ClinVar:

ClinVar aggregate classification (germline): Uncertain significance (1 of 4 stars; one submission).

Conditions:
Oligodontia-cancer predisposition syndrome. Also called: TOOTH AGENESIS-COLORECTAL CANCER SYNDROME. Identifiers: Orphanet 300576, MedGen C1837750, MONDO:0012075, OMIM 608615. Disease mechanism: loss of function.

Submission:

Labcorp Genetics (formerly Invitae), Labcorp
Classification: Uncertain significance for Oligodontia-cancer predisposition syndrome. Last evaluated: 2023-02-03. Review status: criteria provided, single submitter. Criteria: Invitae Variant Classification Sherloc (09022015). Collection method: clinical testing. Allele origin: germline.
Comment: This sequence change replaces leucine, which is neutral and non-polar, with arginine, which is basic and polar, at codon 149 of the AXIN2 protein (p.Leu149Arg). This variant is not present in population databases (gnomAD no frequency). This variant has not been reported in the literature in individuals affected with AXIN2-related conditions. Advanced modeling of protein sequence and biophysical properties (such as structural, functional, and spatial information, amino acid conservation, physicochemical variation, residue mobility, and thermodynamic stability) performed at Invitae indicates that this missense variant is expected to disrupt AXIN2 protein function. In summary, the available evidence is currently insufficient to determine the role of this variant in disease. Therefore, it has been classified as a Variant of Uncertain Significance.

NM_004655.4(AXIN2):c.446T>G (p.Leu149Arg)

Gene: AXIN2 (axin 2; minus strand). Cytogenetic location: 17q24.1.
Variant type: single nucleotide variant.
Coding change: c.446T>G on transcript NM_004655.4 (MANE Select); coding-DNA position 446, T replaced by G.
Protein change: p.Leu149Arg; replaces leucine 149 with arginine.
Molecular consequence: missense variant.
Genome position (GRCh38, 1-based): chr17:65,558,175, A>C on the plus strand (T>G on the coding strand, the complement: AXIN2 is on the minus strand). VCF-style: chr17-65558175-A-C. GRCh37 (hg19) VCF-style: chr17-63554293-A-C.
Other names: c.446T>G, p.Leu149Arg (NM_001363813.1); short protein forms L149R.
Identifiers: ClinVar variation 2834031 (VCV002834031.3), dbSNP rs2144585881, ClinGen allele CA400681367.